The following is an entry in ClinVar:

ClinVar aggregate classification (germline): Likely benign. Review status: criteria provided, multiple submitters, no conflicts (2 of 4 stars). 4 submissions from 4 submitters: Likely benign (3). 1 of the submissions does not count toward it. Last evaluated 2025-04-16.

Conditions:
Hereditary breast ovarian cancer syndrome. Also called: Breast and ovarian cancer; Hereditary breast and ovarian cancer; Hereditary breast and ovarian cancer syndrome; BRCA1- and BRCA2-Associated Hereditary Breast and Ovarian Cancer; Hereditary breast and ovarian cancer syndrome (HBOC); Hereditary breast and/or ovarian cancer syndrome. Identifiers: Orphanet 145, MedGen C0677776, MeSH D061325, MONDO:0003582. Disease mechanism: loss of function.
Breast-ovarian cancer, familial, susceptibility to, 2 (BROVCA2). Also called: BRCA2 Hereditary Breast and Ovarian Cancer. Identifiers: Orphanet 145, MedGen C2675520, MONDO:0012933, OMIM 612555. Disease mechanism: loss of function.

Submissions (4):

Women's Health and Genetics/Laboratory Corporation of America, LabCorp
Classification: Likely benign. Last evaluated: 2025-04-16. Review status: criteria provided, single submitter. Criteria: LabCorp Variant Classification Summary - May 2015. Collection method: clinical testing. Allele origin: germline.

Labcorp Genetics (formerly Invitae), Labcorp
Classification: Likely benign for Hereditary breast ovarian cancer syndrome. Last evaluated: 2023-11-27. Review status: criteria provided, single submitter. Criteria: Invitae Variant Classification Sherloc (09022015). Collection method: clinical testing. Allele origin: germline.

All of Us Research Program, National Institutes of Health
Classification: Likely benign for Breast-ovarian cancer, familial, susceptibility to, 2. Last evaluated: 2023-04-10. Review status: criteria provided, single submitter. Criteria: ACMG Guidelines, 2015. Collection method: clinical testing. Allele origin: germline. Inheritance: Autosomal dominant inheritance. Observed: 1 variant allele, 1 heterozygote.
Comment: This study involves interpretation of variants in research participants for the purpose of population health screening. Participant phenotype was not available at the time of variant classification. Additional details can be found in publication PMID: 35346344, PMCID: PMC8962531

Sharing Clinical Reports Project (SCRP)
Classification: Uncertain significance for Breast-ovarian cancer, familial 2. Last evaluated: 2012-03-20. Review status: no assertion criteria provided. Collection method: clinical testing. Allele origin: germline. Not counted in ClinVar's aggregate classification.

NM_000059.4(BRCA2):c.7806-7T>C

Gene: BRCA2 (BRCA2 DNA repair associated; plus strand). Cytogenetic location: 13q13.1.
Variant type: single nucleotide variant.
Coding change: c.7806-7T>C on transcript NM_000059.4 (MANE Select); 7 bases into the intron before coding-DNA position 7806, T replaced by C.
Molecular consequence: intron variant.
Genome position (GRCh38, 1-based): chr13:32,362,516, T>C. VCF-style: chr13-32362516-T-C. GRCh37 (hg19) VCF-style: chr13-32936653-T-C.
Other names: IVS16-7T>C.
Identifiers: ClinVar variation 91493 (VCV000091493.16), dbSNP rs398122592, ClinGen allele CA025292.